The following is an entry in ClinVar:

NM_000158.4(GBE1):c.1803_1803+1dup

Gene: GBE1 (1,4-alpha-glucan branching enzyme 1; minus strand). Cytogenetic location: 3p12.2.
Variant type: Duplication.
Coding change: c.1803_1803+1dup on transcript NM_000158.4 (MANE Select); coding-DNA position 1803 through the canonical splice donor site of the intron after coding-DNA position 1803, 2 bases duplicated (GG; older notation c.1803_1803+1dupGG).
Molecular consequence: splice donor variant.
Genome position (GRCh38, 1-based): chr3:81,536,910-81,536,911, CC duplicated on the plus strand (GG on the coding strand, the reverse complement: GBE1 is on the minus strand). VCF-style (leftmost placement, unchanged base first): chr3-81536909-A-ACC. GRCh37 (hg19) VCF-style: chr3-81586060-A-ACC.
Identifiers: ClinVar variation 5003656 (VCV005003656.1).

ClinVar aggregate classification (germline): Likely pathogenic (1 of 4 stars; one submission).

Conditions:
Glycogen storage disease, type IV (GSD4). Also called: Glycogen storage disease due to glycogen branching enzyme deficiency; AMYLOPECTINOSIS; ANDERSEN DISEASE; BRANCHER DEFICIENCY; CIRRHOSIS, FAMILIAL, WITH DEPOSITION OF ABNORMAL GLYCOGEN; GBE1 DEFICIENCY. Identifiers: Orphanet 367, MedGen C0017923, MONDO:0009292, OMIM 232500.

Submission:

Myriad Genetics, Inc.
Classification: Likely pathogenic for Glycogen storage disease, type IV. Last evaluated: 2025-09-05. Review status: criteria provided, single submitter. Criteria: Myriad Autosomal Dominant, Autosomal Recessive and X-Linked Classification Criteria (2023). Collection method: clinical testing. Allele origin: unknown.
Comment: NM_000158.3(GBE1):c.1803_1803+1dupGG is a variant in a canonical splice site classified as likely pathogenic in the context of glycogen storage disease, GBE1-related. c.1803_1803+1dupGG has not been observed in cases with relevant disease. Relevant functional assessments of this variant are not available in the literature. c.1803_1803+1dupGG has not been observed in referenced population frequency databases. In summary, NM_000158.3(GBE1):c.1803_1803+1dupGG is a variant in a canonical splice site in a gene where loss of function is a known mechanism of disease and is predicted to disrupt protein function. Please note: this variant was assessed in the context of healthy population screening.